The following is an entry in ClinVar:

ClinVar aggregate classification (germline): Uncertain significance. Review status: criteria provided, multiple submitters, no conflicts (2 of 4 stars). 2 submissions from 2 submitters: Uncertain significance (2). Last evaluated 2022-08-23.

Conditions:
Cortical dysplasia-focal epilepsy syndrome (PTHSL1). Also called: Pitt-Hopkins-like syndrome 1. Identifiers: Orphanet 163681, Orphanet 221150, MedGen C2750246, MONDO:0012400, OMIM 610042.

Allele frequency attached by ClinVar (database versions not stated): gnomAD exomes below 0.00001.
gnomAD v4.1: 2 of 1,614,104 alleles (0.00012%); highest among the groups gnomAD compares: Non-Finnish European, 0.00017%; no homozygotes.

Submissions (2):

Labcorp Genetics (formerly Invitae), Labcorp
Classification: Uncertain significance for Cortical dysplasia-focal epilepsy syndrome. Last evaluated: 2022-08-23. Review status: criteria provided, single submitter. Criteria: Invitae Variant Classification Sherloc (09022015). Collection method: clinical testing. Allele origin: germline.
Comment: Algorithms developed to predict the effect of missense changes on protein structure and function are either unavailable or do not agree on the potential impact of this missense change (SIFT: "Deleterious"; PolyPhen-2: "Benign"; Align-GVGD: "Class C15"). In summary, the available evidence is currently insufficient to determine the role of this variant in disease. Therefore, it has been classified as a Variant of Uncertain Significance. ClinVar contains an entry for this variant (Variation ID: 205316). This variant has not been reported in the literature in individuals affected with CNTNAP2-related conditions. This variant is not present in population databases (gnomAD no frequency). This sequence change replaces tryptophan, which is neutral and slightly polar, with arginine, which is basic and polar, at codon 1014 of the CNTNAP2 protein (p.Trp1014Arg).

GeneDx
Classification: Uncertain significance. Last evaluated: 2014-09-24. Review status: criteria provided, single submitter. Criteria: GeneDx Variant Classification (06012015). Collection method: clinical testing. Allele origin: germline. Affected: yes.
Comment: p.Trp1014Arg (TGG>CGG): c.3040 T>C in exon 19 of the CNTNAP2 gene (NM_014141.5). The W1014R variant has not been published as a mutation, nor has it been reported as a benign polymorphism to our knowledge. It was not observed in approximately 6,500 individuals of European and African American ancestry in the NHLBI Exome Sequencing Project, indicating it is not a common benign variant in these populations. The W1014R variant is a non-conservative amino acid substitution, which is likely to impact secondary protein structure as these residues differ in polarity, charge, size and/or other properties. This substitution occurs at a position that is conserved through mammals. In silico analysis is inconsistent in its predictions as to whether or not the variant is damaging to the protein structure/function. Therefore, based on the currently available information, it is unclear whether this variant is a pathogenic mutation or a rare benign variant. The variant is found in INFANT-EPI panel(s).

NM_014141.6(CNTNAP2):c.3040T>C (p.Trp1014Arg)

Gene: CNTNAP2 (contactin associated protein 2; plus strand). Cytogenetic location: 7q36.1.
Variant type: single nucleotide variant.
Coding change: c.3040T>C on transcript NM_014141.6 (MANE Select); coding-DNA position 3040, T replaced by C.
Protein change: p.Trp1014Arg; replaces tryptophan 1014 with arginine.
Molecular consequence: missense variant.
Genome position (GRCh38, 1-based): chr7:148,217,317, T>C. VCF-style: chr7-148217317-T-C. GRCh37 (hg19) VCF-style: chr7-147914409-T-C.
Other names: p.W1014R:TGG>CGG; short protein forms W1014R.
Identifiers: ClinVar variation 205316 (VCV000205316.9), dbSNP rs796052390, ClinGen allele CA314265.